The following is an entry in ClinVar:

NC_000005.9:g.(?_94856400)_(94859558_?)del

Gene: SKIC3 (SKI3 subunit of superkiller complex; minus strand). Cytogenetic location: 5q15.
Variant type: Deletion.
Identifiers: ClinVar variation 3246514 (VCV003246514.1).

ClinVar aggregate classification (germline): Pathogenic (1 of 4 stars; one submission).

Submission:

Labcorp Genetics (formerly Invitae), Labcorp
Classification: Pathogenic. Last evaluated: 2023-04-18. Review status: criteria provided, single submitter. Criteria: Invitae Variant Classification Sherloc (09022015). Collection method: clinical testing. Allele origin: unknown.
Comment: For these reasons, this variant has been classified as Pathogenic. This variant has not been reported in the literature in individuals affected with TTC37-related conditions. This variant is a gross deletion of the genomic region encompassing exon(s) 17-20 of the TTC37 gene. This deletion is out-of-frame, and is expected to create a premature termination codon and result in an absent or disrupted protein product. Loss-of-function variants in TTC37 are known to be pathogenic (PMID: 20176027, 21120949).

Literature cited by the submitters: PubMed 20176027; PubMed 21120949.